The following is an entry in ClinVar:

NM_001701.4(BAAT):c.453_454del (p.Phe152fs)

Gene: BAAT (bile acid-CoA:amino acid N-acyltransferase; minus strand). Cytogenetic location: 9q31.1.
Variant type: Microsatellite.
Coding change: c.453_454del on transcript NM_001701.4 (MANE Select); coding-DNA positions 453 to 454, 2 bases deleted (CT; older notation c.453_454delCT).
Protein change: p.Phe152fs; shifts the reading frame from phenylalanine 152.
Molecular consequence: frameshift variant.
Genome position (GRCh38, 1-based): chr9:101,370,951-101,370,952, AG deleted on the plus strand (CT on the coding strand, the reverse complement: BAAT is on the minus strand); deleting any 2 consecutive bases within chr9:101,370,951-101,370,956 gives the same sequence; the c. name uses the placement nearest the transcript's 3' end. VCF-style (leftmost placement, unchanged base first): chr9-101370950-AAG-A. GRCh37 (hg19) VCF-style: chr9-104133232-AAG-A.
Other names: c.453_454del, p.Phe152fs (NM_001127610.2, NM_001374715.1); short protein forms F152fs.
Identifiers: ClinVar variation 3061192 (VCV003061192.2), dbSNP rs2538288753, ClinGen allele CA2740095544.

ClinVar aggregate classification (germline): Uncertain significance (0 of 4 stars; one submission).

Conditions:
BAAT-related disorder. Also called: BAAT-related condition.

Submission:

PreventionGenetics, part of Exact Sciences
Classification: Uncertain significance for BAAT-related condition. Last evaluated: 2024-01-19. Review status: no assertion criteria provided. Collection method: clinical testing. Allele origin: germline.
Comment: The BAAT c.453_454delCT variant is predicted to result in a frameshift and premature protein termination (p.Phe152Serfs*13). To our knowledge, this variant has not been reported in the literature or in a large population database, indicating this variant is rare. Few protein-truncating variants have been reported in this gene to date (Human Gene Mutation Database). Although we suspect that this variant may be pathogenic, at this time, the clinical significance of this variant is uncertain due to the absence of conclusive functional and genetic evidence.